The following is an entry in ClinVar:

ClinVar aggregate classification (germline): Uncertain significance. Review status: criteria provided, multiple submitters, no conflicts (2 of 4 stars). 2 submissions from 2 submitters: Uncertain significance (2). Last evaluated 2025-12-29.

Conditions:
Generalized epilepsy with febrile seizures plus, type 7 (GEFSP7). Also called: GEFS+, TYPE 7. Identifiers: Orphanet 36387, MedGen C2751778, MONDO:0013470, OMIM 613863.
Neuropathy, hereditary sensory and autonomic, type 2A (HSAN2A). Also called: ACROOSTEOLYSIS, GIACCAI TYPE; ACROOSTEOLYSIS, NEUROGENIC; MORVAN DISEASE; NEUROPATHY, CONGENITAL SENSORY; NEUROPATHY, HEREDITARY SENSORY RADICULAR, AUTOSOMAL RECESSIVE; NEUROPATHY, HEREDITARY SENSORY, TYPE IIA. Identifiers: Orphanet 970, MedGen C2752089, MONDO:0024309, OMIM 201300.
Inborn genetic diseases. Identifiers: MedGen C0950123, MeSH D030342.

Allele frequency attached by ClinVar (database versions not stated): gnomAD exomes 0.00001.
gnomAD v4.1: 9 of 1,529,202 alleles (0.00059%); highest among the groups gnomAD compares: South Asian, 0.0014%; no homozygotes.

Submissions (2):

Ambry Genetics
Classification: Uncertain significance for Inborn genetic diseases. Last evaluated: 2025-12-29. Review status: criteria provided, single submitter. Criteria: Ambry Variant Classification Scheme 2023. Collection method: clinical testing. Allele origin: germline.

Labcorp Genetics (formerly Invitae), Labcorp
Classification: Uncertain significance for Neuropathy, hereditary sensory and autonomic, type 2A; Generalized epilepsy with febrile seizures plus, type 7. Last evaluated: 2024-01-17. Review status: criteria provided, single submitter. Criteria: Invitae Variant Classification Sherloc (09022015). Collection method: clinical testing. Allele origin: germline.
Comment: This sequence change replaces isoleucine, which is neutral and non-polar, with threonine, which is neutral and polar, at codon 979 of the SCN9A protein (p.Ile979Thr). This variant is not present in population databases (gnomAD no frequency). This variant has not been reported in the literature in individuals affected with SCN9A-related conditions. ClinVar contains an entry for this variant (Variation ID: 1054637). Advanced modeling of protein sequence and biophysical properties (such as structural, functional, and spatial information, amino acid conservation, physicochemical variation, residue mobility, and thermodynamic stability) performed at Invitae indicates that this missense variant is not expected to disrupt SCN9A protein function with a negative predictive value of 80%. In summary, the available evidence is currently insufficient to determine the role of this variant in disease. Therefore, it has been classified as a Variant of Uncertain Significance.

NM_001365536.1(SCN9A):c.2969T>C (p.Ile990Thr)

Genes: SCN9A (sodium voltage-gated channel alpha subunit 9; minus strand), SCN1A-AS1 (SCN1A and SCN9A antisense RNA 1; plus strand). Cytogenetic location: 2q24.3.
Variant type: single nucleotide variant.
Coding change: c.2969T>C on transcript NM_001365536.1 (MANE Select); coding-DNA position 2969, T replaced by C.
Protein change: p.Ile990Thr; replaces isoleucine 990 with threonine.
Molecular consequence: missense variant.
Genome position (GRCh38, 1-based): chr2:166,272,781, A>G on the plus strand (T>C on the coding strand, the complement: SCN9A is on the minus strand). VCF-style: chr2-166272781-A-G. GRCh37 (hg19) VCF-style: chr2-167129291-A-G.
Other names: c.2936T>C, p.Ile979Thr (NM_002977.4); short protein forms I979T, I990T.
Identifiers: ClinVar variation 1054637 (VCV001054637.10), dbSNP rs2106461363, ClinGen allele CA349074652.